The following is an entry in ClinVar:

ClinVar aggregate classification (germline): Uncertain significance (1 of 4 stars; one submission).

Submission:

Women's Health and Genetics/Laboratory Corporation of America, LabCorp
Classification: Uncertain significance. Last evaluated: 2025-06-19. Review status: criteria provided, single submitter. Criteria: LabCorp Variant Classification Summary - May 2015. Collection method: clinical testing. Allele origin: germline.
Comment: Variant summary: FMN2 c.2840_2873delinsT (p.Pro947_Pro958delinsLeu) results in an in-frame deletion-insertion that is predicted to delete 11 amino acids from the protein and also causes a change in one amino acid. The variant was absent in 241284 control chromosomes. The available data on variant occurrences in the general population are insufficient to allow any conclusion about variant significance. To our knowledge, no occurrence of c.2840_2873delinsT in individuals affected with autosomal recessive Intellectual Disability and no experimental evidence demonstrating its impact on protein function have been reported. No submitters have cited clinical-significance assessments for this variant to ClinVar. Based on the evidence outlined above, the variant was classified as uncertain significance.

NM_020066.5(FMN2):c.2840_2873delinsT (p.Pro947_Pro958delinsLeu)

Gene: FMN2 (formin 2; plus strand). Cytogenetic location: 1q43.
Variant type: Indel.
Coding change: c.2840_2873delinsT on transcript NM_020066.5 (MANE Select); coding-DNA positions 2840 to 2873, the reference bases replaced by T.
Protein change: p.Pro947_Pro958delinsLeu.
Molecular consequence: inframe indel. On other transcripts: intron variant (1).
Genome position (GRCh38, 1-based): chr1:240,207,652-240,207,685, 34 bases replaced. GRCh37 (hg19): chr1:240,370,952-240,370,985.
Other names: c.2852_2885delinsT, p.Pro951_Pro962delinsLeu (NM_001305424.2); c.1986+19390_1986+19423delinsT (NM_001348094.2).
Identifiers: ClinVar variation 3907637 (VCV003907637.1).